The following is an entry in ClinVar:

NM_017805.3(RASIP1):c.774G>A (p.Glu258=)

Gene: RASIP1 (Ras interacting protein 1; minus strand). Cytogenetic location: 19q13.33.
Variant type: single nucleotide variant.
Coding change: c.774G>A on transcript NM_017805.3 (MANE Select); coding-DNA position 774, G replaced by A.
Protein change: p.Glu258=; no amino-acid change (glutamic acid 258 retained).
Molecular consequence: synonymous variant.
Genome position (GRCh38, 1-based): chr19:48,739,009, C>T on the plus strand (G>A on the coding strand, the complement: RASIP1 is on the minus strand). VCF-style: chr19-48739009-C-T. GRCh37 (hg19) VCF-style: chr19-49242266-C-T.
Identifiers: ClinVar variation 2650221 (VCV002650221.24), dbSNP rs2514023878, ClinGen allele CA508053534.

ClinVar aggregate classification (germline): Likely benign (1 of 4 stars; one submission).

Submission:

CeGaT Center for Human Genetics Tuebingen
Classification: Likely benign. Last evaluated: 2022-06-01. Review status: criteria provided, single submitter. Criteria: CeGaT Center For Human Genetics Tuebingen Variant Classification Criteria Version 2. Collection method: clinical testing. Allele origin: germline. Affected: yes. Observed: 1 variant allele.
Comment: RASIP1: PM2:Supporting, BP4, BP7